The following is an entry in ClinVar:

ClinVar aggregate classification (germline): Uncertain significance (1 of 4 stars; one submission).

Allele frequency attached by ClinVar (database versions not stated): gnomAD 0.00001; gnomAD exomes 0.00003; ExAC 0.00005.
gnomAD v4.1: 52 of 1,613,524 alleles (0.0032%); highest among the groups gnomAD compares: South Asian, 0.054%; 1 homozygote.

Submission:

Labcorp Genetics (formerly Invitae), Labcorp
Classification: Uncertain significance. Last evaluated: 2022-01-02. Review status: criteria provided, single submitter. Criteria: Invitae Variant Classification Sherloc (09022015). Collection method: clinical testing. Allele origin: germline.
Comment: This sequence change replaces asparagine, which is neutral and polar, with lysine, which is basic and polar, at codon 566 of the TRIM37 protein (p.Asn566Lys). This variant is present in population databases (rs760501865, gnomAD 0.04%). This variant has not been reported in the literature in individuals affected with TRIM37-related conditions. Algorithms developed to predict the effect of missense changes on protein structure and function are either unavailable or do not agree on the potential impact of this missense change (SIFT: "Not Available"; PolyPhen-2: "Benign"; Align-GVGD: "Not Available"). In summary, the available evidence is currently insufficient to determine the role of this variant in disease. Therefore, it has been classified as a Variant of Uncertain Significance.

NM_015294.6(TRIM37):c.1698C>A (p.Asn566Lys)

Gene: TRIM37 (tripartite motif containing 37; minus strand). Cytogenetic location: 17q22.
Variant type: single nucleotide variant.
Coding change: c.1698C>A on transcript NM_015294.6 (MANE Select); coding-DNA position 1698, C replaced by A.
Protein change: p.Asn566Lys; replaces asparagine 566 with lysine.
Molecular consequence: missense variant. On other transcripts: non-coding transcript variant (2).
Genome position (GRCh38, 1-based): chr17:59,041,868, G>T on the plus strand (C>A on the coding strand, the complement: TRIM37 is on the minus strand). VCF-style: chr17-59041868-G-T. GRCh37 (hg19) VCF-style: chr17-57119229-G-T.
Other names: c.1698C>A, p.Asn566Lys (NM_001320988.3, NM_001320989.3, NM_001005207.5 and 1 more transcripts); c.1332C>A, p.Asn444Lys (NM_001320990.3); c.1236C>A, p.Asn412Lys (NM_001353085.2); c.1647C>A, p.Asn549Lys (NM_001353086.2); c.1596C>A, p.Asn532Lys (NM_001320987.3, NM_001353082.2); c.963C>A, p.Asn321Lys (NM_001353083.2); short protein forms N412K, N444K, N532K, N549K, N566K, N321K.
Identifiers: ClinVar variation 2156389 (VCV002156389.1), dbSNP rs760501865, ClinGen allele CA8678228.